The following is an entry in ClinVar:

ClinVar aggregate classification (germline): Uncertain significance (1 of 4 stars; one submission).

Allele frequency attached by ClinVar (database versions not stated): gnomAD exomes below 0.00001.
gnomAD v4.1: 3 of 1,614,100 alleles (0.00019%); highest among the groups gnomAD compares: Non-Finnish European, 0.00025%; no homozygotes.

Submission:

Labcorp Genetics (formerly Invitae), Labcorp
Classification: Uncertain significance. Last evaluated: 2022-08-09. Review status: criteria provided, single submitter. Criteria: Invitae Variant Classification Sherloc (09022015). Collection method: clinical testing. Allele origin: germline.
Comment: This sequence change replaces serine, which is neutral and polar, with cysteine, which is neutral and slightly polar, at codon 527 of the SLC1A4 protein (p.Ser527Cys). This variant is present in population databases (no rsID available, gnomAD 0.0009%). This variant has not been reported in the literature in individuals affected with SLC1A4-related conditions. Algorithms developed to predict the effect of missense changes on protein structure and function are either unavailable or do not agree on the potential impact of this missense change (SIFT: "Deleterious"; PolyPhen-2: "Possibly Damaging"; Align-GVGD: "Class C0"). In summary, the available evidence is currently insufficient to determine the role of this variant in disease. Therefore, it has been classified as a Variant of Uncertain Significance.

NM_003038.5(SLC1A4):c.1580C>G (p.Ser527Cys)

Gene: SLC1A4 (solute carrier family 1 member 4; plus strand). Cytogenetic location: 2p14.
Variant type: single nucleotide variant.
Coding change: c.1580C>G on transcript NM_003038.5 (MANE Select); coding-DNA position 1580, C replaced by G.
Protein change: p.Ser527Cys; replaces serine 527 with cysteine.
Molecular consequence: missense variant.
Genome position (GRCh38, 1-based): chr2:65,021,127, C>G. VCF-style: chr2-65021127-C-G. GRCh37 (hg19) VCF-style: chr2-65248261-C-G.
Other names: c.686C>G, p.Ser229Cys (NM_001193493.2); c.920C>G, p.Ser307Cys (NM_001348406.2, NM_001348407.2); short protein forms S229C, S307C, S527C.
Identifiers: ClinVar variation 2003845 (VCV002003845.1), dbSNP rs1234569489, ClinGen allele CA347012853.
Genomic context (GRCh38, chr2:65,021,127, plus strand): 5'-CGCCCCTGGTGACACACCAGAACCCCGCTGGCCCCGTGGCCAGTGCCCCAGAACTGGAAT[C>G]CAAGGAGTCGGTTCTGTGATGGGGCTGGGCTTTGGGCTTGCCTGCCAGCAGTGATGTCCC-3'
Protein context (NP_003029.2, residues 517-532): GPVASAPELE[Ser527Cys]KESVL